The following is an entry in ClinVar:

NM_014625.4(NPHS2):c.524C>T (p.Pro175Leu)

Gene: NPHS2 (NPHS2 stomatin family member, podocin; minus strand). Cytogenetic location: 1q25.2.
Variant type: single nucleotide variant.
Coding change: c.524C>T on transcript NM_014625.4 (MANE Select); coding-DNA position 524, C replaced by T.
Protein change: p.Pro175Leu; replaces proline 175 with leucine.
Molecular consequence: missense variant.
Genome position (GRCh38, 1-based): chr1:179,559,689, G>A on the plus strand (C>T on the coding strand, the complement: NPHS2 is on the minus strand). VCF-style: chr1-179559689-G-A. GRCh37 (hg19) VCF-style: chr1-179528824-G-A.
Other names: c.524C>T, p.Pro175Leu (NM_001297575.2); short protein forms P175L.
Identifiers: ClinVar variation 4976121 (VCV004976121.1).

ClinVar aggregate classification (germline): Uncertain significance (1 of 4 stars; one submission).

Submission:

GeneDx
Classification: Uncertain significance. Last evaluated: 2026-02-04. Review status: criteria provided, single submitter. Criteria: GeneDx Variant Classification Process June 2021. Collection method: clinical testing. Allele origin: germline.
Comment: Not observed at significant frequency in large population cohorts (gnomAD); In silico analysis supports that this missense variant has a deleterious effect on protein structure/function; Has not been previously published as pathogenic or benign to our knowledge